The following is an entry in ClinVar:

ClinVar aggregate classification (germline): Uncertain significance (1 of 4 stars; one submission).

Conditions:
Distal myopathy with posterior leg and anterior hand involvement. Also called: WILLIAMS DISTAL MYOPATHY. Identifiers: Orphanet 63273, MedGen C3279722, MONDO:0013550, OMIM 614065.
Hypertrophic cardiomyopathy 26. Also called: Cardiomyopathy, familial hypertrophic, 26. Identifiers: Orphanet 75249, MedGen C4310749, MONDO:0014883, OMIM 617047.
Dilated Cardiomyopathy, Dominant.
Myofibrillar myopathy 5. Also called: Filaminopathy (type); FILAMINOPATHY, AUTOSOMAL DOMINANT. Identifiers: Orphanet 171445, MedGen C1836050, MONDO:0012289, OMIM 609524.

Submission:

Labcorp Genetics (formerly Invitae), Labcorp
Classification: Uncertain significance for Distal myopathy with posterior leg and anterior hand involvement; Myofibrillar myopathy 5; Hypertrophic cardiomyopathy 26. Last evaluated: 2022-01-16. Review status: criteria provided, single submitter. Criteria: Invitae Variant Classification Sherloc (09022015). Collection method: clinical testing. Allele origin: germline.
Comment: This sequence change replaces alanine, which is neutral and non-polar, with proline, which is neutral and non-polar, at codon 2402 of the FLNC protein (p.Ala2402Pro). This variant is not present in population databases (gnomAD no frequency). This variant has not been reported in the literature in individuals affected with FLNC-related conditions. Algorithms developed to predict the effect of missense changes on protein structure and function are either unavailable or do not agree on the potential impact of this missense change (SIFT: "Deleterious"; PolyPhen-2: "Possibly Damaging"; Align-GVGD: "Class C0"). In summary, the available evidence is currently insufficient to determine the role of this variant in disease. Therefore, it has been classified as a Variant of Uncertain Significance.

NM_001458.5(FLNC):c.7204G>C (p.Ala2402Pro)

Genes: FLNC-AS1 (FLNC antisense RNA 1; minus strand), FLNC (filamin C; plus strand). Cytogenetic location: 7q32.1.
Variant type: single nucleotide variant.
Coding change: c.7204G>C on transcript NM_001458.5 (MANE Select); coding-DNA position 7204, G replaced by C.
Protein change: p.Ala2402Pro; replaces alanine 2402 with proline.
Molecular consequence: missense variant.
Genome position (GRCh38, 1-based): chr7:128,855,267, G>C. VCF-style: chr7-128855267-G-C. GRCh37 (hg19) VCF-style: chr7-128495321-G-C.
Other names: c.7105G>C, p.Ala2369Pro (NM_001127487.2); short protein forms A2402P, A2369P.
Identifiers: ClinVar variation 2085458 (VCV002085458.1), dbSNP rs2536667337, ClinGen allele CA369215847.